The following is an entry in ClinVar:

NM_170606.3(KMT2C):c.8849A>T (p.His2950Leu)

Gene: KMT2C (lysine methyltransferase 2C; minus strand). Cytogenetic location: 7q36.1.
Variant type: single nucleotide variant.
Coding change: c.8849A>T on transcript NM_170606.3 (MANE Select); coding-DNA position 8849, A replaced by T.
Protein change: p.His2950Leu; replaces histidine 2950 with leucine.
Molecular consequence: missense variant.
Genome position (GRCh38, 1-based): chr7:152,176,604, T>A on the plus strand (A>T on the coding strand, the complement: KMT2C is on the minus strand). VCF-style: chr7-152176604-T-A. GRCh37 (hg19) VCF-style: chr7-151873689-T-A.
Other names: short protein forms H2950L.
Identifiers: ClinVar variation 1806066 (VCV001806066.1), dbSNP rs752050295, ClinGen allele CA370077109.

ClinVar aggregate classification (germline): Uncertain significance (1 of 4 stars; one submission).

Conditions:
Kleefstra syndrome 2 (KLEFS2). Identifiers: MedGen C4540395, MONDO:0054701, OMIM 617768.

Submission:

Victorian Clinical Genetics Services, Murdoch Childrens Research Institute
Classification: Uncertain significance for Kleefstra syndrome 2. Last evaluated: 2020-05-26. Review status: criteria provided, single submitter. Criteria: ACMG Guidelines, 2015. Collection method: clinical testing. Allele origin: germline. Inheritance: Autosomal dominant inheritance.
Comment: Based on the classification scheme VCGS_Germline_v1.1.1, this variant is classified as VUS – 3B. Following criteria are met: 0102 - Loss-of-function is a known mechanism of disease for this gene. (N) 0107 - This gene is known to be associated with autosomal dominant disease. (N) 0200 - Variant is predicted to result in a missense amino acid change from histidine to leucine (exon 38). (N) 0251 - Variant is heterozygous. (N) 0301 - Variant is absent from gnomAD. (P) 0309 - An alternative amino acid change at the same position has been observed in gnomAD (6 heterozygote, 0 homozygotes). (N) 0502 - Missense variant with conflicting in silico predictions and/or uninformative conservation. (N) 0604 - Variant is not located in an established domain, motif, hotspot or informative constraint region. (N) 0705 - No comparable variants have previous evidence for pathogenicity. (N) 0807 - Variant has not previously been reported in a clinical context. (N) 0905 - No segregation evidence has been identified for this variant. (N) 1007 - No published functional evidence has been identified for this variant. (N) 1208 - Inheritance information for this variant is not currently available. (N) Legend: (P) - Pathogenic, (N) - Neutral, (B) - Benign